The following is an entry in ClinVar:

ClinVar aggregate classification (germline): Uncertain significance. Review status: criteria provided, multiple submitters, no conflicts (2 of 4 stars). 2 submissions from 2 submitters: Uncertain significance (2). Last evaluated 2025-11-05.

Conditions:
Multiple endocrine neoplasia, type 2 (MEN2). Identifiers: Orphanet 653, MedGen C4048306, MONDO:0019003. Disease mechanism: gain of function.

gnomAD v4.1: 1 of 1,602,282 alleles (0.000062%); no homozygotes.

Submissions (2):

Labcorp Genetics (formerly Invitae), Labcorp
Classification: Uncertain significance for Multiple endocrine neoplasia, type 2. Last evaluated: 2025-11-05. Review status: criteria provided, single submitter. Criteria: Invitae Variant Classification Sherloc (09022015). Collection method: clinical testing. Allele origin: germline.
Comment: This sequence change replaces glutamic acid, which is acidic and polar, with aspartic acid, which is acidic and polar, at codon 511 of the RET protein (p.Glu511Asp). This variant is not present in population databases (gnomAD no frequency). This variant has not been reported in the literature in individuals affected with RET-related conditions. An algorithm developed to predict the effect of missense changes on protein structure and function (PolyPhen-2) suggests that this variant is likely to be tolerated. In summary, the available evidence is currently insufficient to determine the role of this variant in disease. Therefore, it has been classified as a Variant of Uncertain Significance.

Color Diagnostics, LLC DBA Color Health
Classification: Uncertain significance for Multiple endocrine neoplasia, type 2. Last evaluated: 2025-08-25. Review status: criteria provided, single submitter. Criteria: ACMG Guidelines, 2015. Collection method: clinical testing. Allele origin: germline.
Comment: This missense variant replaces glutamic acid with aspartic acid at codon 511 of the RET protein. Computational prediction suggests that this variant may not impact protein structure and function. To our knowledge, functional studies have not been reported for this variant. This variant has not been reported in individuals affected with RET-related disorders in the literature. This variant has not been identified in the general population by the Genome Aggregation Database (gnomAD). The available evidence is insufficient to determine the role of this variant in disease conclusively. Therefore, this variant is classified as a Variant of Uncertain Significance.

NM_020975.6(RET):c.1533G>C (p.Glu511Asp)

Gene: RET (ret proto-oncogene; plus strand). Cytogenetic location: 10q11.21.
Variant type: single nucleotide variant.
Coding change: c.1533G>C on transcript NM_020975.6 (MANE Select); coding-DNA position 1533, G replaced by C.
Protein change: p.Glu511Asp; replaces glutamic acid 511 with aspartic acid.
Molecular consequence: missense variant.
Genome position (GRCh38, 1-based): chr10:43,112,109, G>C. VCF-style: chr10-43112109-G-C. GRCh37 (hg19) VCF-style: chr10-43607557-G-C.
Other names: c.84G>C, p.Glu28Asp (NM_001406792.1, NM_001406793.1, NM_001406794.1); c.1533G>C, p.Glu511Asp (NM_020630.7, NM_001406743.1, NM_001406744.1 and 4 more transcripts); c.1095G>C, p.Glu365Asp (NM_001406773.1, NM_001406771.1); c.1008G>C, p.Glu336Asp (NM_001406774.1); c.807G>C, p.Glu269Asp (NM_001406775.1, NM_001406776.1, NM_001406777.1 and 1 more transcripts); c.636G>C, p.Glu212Asp (NM_001406779.1, NM_001406780.1, NM_001406781.1 and 3 more transcripts); c.771G>C, p.Glu257Asp (NM_001355216.2); c.1404G>C, p.Glu468Asp (NM_001406761.1, NM_001406762.1, NM_001406764.1 and 1 more transcripts); and 5 more; short protein forms E212D, E28D, E365D, E415D, E116D, E181D, E336D, E468D.
Identifiers: ClinVar variation 4705088 (VCV004705088.1).